The following is an entry in ClinVar:

ClinVar aggregate classification (germline): Conflicting classifications of pathogenicity. Review status: criteria provided, conflicting classifications (1 of 4 stars). 3 submissions from 3 submitters: Uncertain significance (1); Benign (1); Likely benign (1). Last evaluated 2025-06-13.

Conditions:
Hajdu-Cheney syndrome (HJCYS). Also called: SERPENTINE FIBULA-POLYCYSTIC KIDNEY SYNDROME; Acroosteolysis dominant type; ACROOSTEOLYSIS WITH OSTEOPOROSIS AND CHANGES IN SKULL AND MANDIBLE. Identifiers: Orphanet 955, MedGen C0917715, MONDO:0007057, OMIM 102500.
NOTCH2-related disorder. Also called: NOTCH2-related condition.

Allele frequency attached by ClinVar (database versions not stated): gnomAD below 0.00001 and 0.00006; TOPMed 0.00001; gnomAD exomes 0.00007 and 0.00013; ExAC 0.00016; 1000 Genomes Project 30x 0.00047; 1000 Genomes Project 0.00060.
gnomAD v4.1: 118 of 1,614,024 alleles (0.0073%); highest among the groups gnomAD compares: South Asian, 0.12%; 2 homozygotes.

Submissions (3):

Labcorp Genetics (formerly Invitae), Labcorp
Classification: Benign for Hajdu-Cheney syndrome. Last evaluated: 2025-06-13. Review status: criteria provided, single submitter. Criteria: Invitae Variant Classification Sherloc (09022015). Collection method: clinical testing. Allele origin: germline.

PreventionGenetics, part of Exact Sciences
Classification: Likely benign for NOTCH2-related condition. Last evaluated: 2025-02-27. Review status: criteria provided, single submitter. Criteria: ACMG Guidelines, 2015. Collection method: clinical testing. Allele origin: germline.
Comment: This variant is classified as likely benign based on ACMG/AMP sequence variant interpretation guidelines (Richards et al. 2015 PMID: 25741868, with internal and published modifications).

Eurofins Ntd Llc (ga)
Classification: Uncertain significance. Last evaluated: 2018-02-19. Review status: criteria provided, single submitter. Criteria: EGL ClinVar v180209 classification definitions. Collection method: clinical testing. Allele origin: germline. Observed: 2 variant alleles, 2 heterozygotes.

NM_024408.4(NOTCH2):c.2752+8T>C

Gene: NOTCH2 (notch receptor 2; minus strand). Cytogenetic location: 1p12.
Variant type: single nucleotide variant.
Coding change: c.2752+8T>C on transcript NM_024408.4 (MANE Select); 8 bases into the intron after coding-DNA position 2752, T replaced by C.
Molecular consequence: intron variant.
Genome position (GRCh38, 1-based): chr1:119,948,406, A>G on the plus strand (T>C on the coding strand, the complement: NOTCH2 is on the minus strand). VCF-style: chr1-119948406-A-G. GRCh37 (hg19) VCF-style: chr1-120491029-A-G.
Other names: c.2752+8T>C (NM_001200001.2, NM_024408.3).
Identifiers: ClinVar variation 596183 (VCV000596183.11), dbSNP rs587621243, ClinGen allele CA1040217.